The following is an entry in ClinVar:

NM_006005.3(WFS1):c.334C>T (p.Gln112Ter)

Gene: WFS1 (wolframin ER transmembrane glycoprotein; plus strand). Cytogenetic location: 4p16.1.
Variant type: single nucleotide variant.
Coding change: c.334C>T on transcript NM_006005.3 (MANE Select); coding-DNA position 334, C replaced by T.
Protein change: p.Gln112Ter; replaces glutamine 112 with a stop codon.
Molecular consequence: nonsense.
Genome position (GRCh38, 1-based): chr4:6,289,005, C>T. VCF-style: chr4-6289005-C-T. GRCh37 (hg19) VCF-style: chr4-6290732-C-T.
Other names: c.334C>T, p.Gln112Ter (NM_001145853.1); short protein forms Q112*.
Identifiers: ClinVar variation 2203513 (VCV002203513.4), dbSNP rs1227615312, ClinGen allele CA356171279.

ClinVar aggregate classification (germline): Pathogenic (1 of 4 stars; one submission).

Allele frequency attached by ClinVar (database versions not stated): gnomAD exomes below 0.00001.
gnomAD v4.1: 3 of 1,608,684 alleles (0.00019%); highest among the groups gnomAD compares: South Asian, 0.0033%; no homozygotes.

Submission:

Labcorp Genetics (formerly Invitae), Labcorp
Classification: Pathogenic. Last evaluated: 2022-10-13. Review status: criteria provided, single submitter. Criteria: Invitae Variant Classification Sherloc (09022015). Collection method: clinical testing. Allele origin: germline.
Comment: This sequence change creates a premature translational stop signal (p.Gln112*) in the WFS1 gene. It is expected to result in an absent or disrupted protein product. Loss-of-function variants in WFS1 are known to be pathogenic (PMID: 12955714). For these reasons, this variant has been classified as Pathogenic. This premature translational stop signal has been observed in individual(s) with autosomal recessive Wolfram syndrome (PMID: 28432734). The frequency data for this variant in the population databases is considered unreliable, as metrics indicate poor data quality at this position in the gnomAD database.

Literature cited by the submitters: PubMed 12955714; PubMed 28432734.